The following is an entry in ClinVar:

ClinVar aggregate classification (germline): Conflicting classifications of pathogenicity. Review status: criteria provided, conflicting classifications (1 of 4 stars). 2 submissions from 2 submitters: Uncertain significance (1); Likely benign (1). Last evaluated 2022-12-06.

Conditions:
Inborn genetic diseases. Identifiers: MedGen C0950123, MeSH D030342.

Allele frequency attached by ClinVar (database versions not stated): TOPMed below 0.00001; gnomAD 0.00001; gnomAD exomes 0.00002.
gnomAD v4.1: 27 of 1,613,972 alleles (0.0017%); highest among the groups gnomAD compares: Non-Finnish European, 0.0022%; no homozygotes.

Submissions (2):

Blueprint Genetics
Classification: Likely benign. Last evaluated: 2022-12-06. Review status: criteria provided, single submitter. Criteria: ACMG Guidelines, 2015. Collection method: clinical testing. Allele origin: germline.

Ambry Genetics
Classification: Uncertain significance for Inborn genetic diseases. Last evaluated: 2017-11-09. Review status: criteria provided, single submitter. Criteria: Ambry Variant Classification Scheme 2023. Collection method: clinical testing. Allele origin: germline.
Comment: The p.D1174G variant (also known as c.3521A>G) is located in coding exon 18 of the SCN2A gene. The aspartic acid at codon 1174 is replaced by glycine, an amino acid with similar properties. This change occurs in the first base pair of coding exon 18. This amino acid position is not well conserved in available vertebrate species. In addition, this alteration is predicted to be tolerated by in silico analysis. Since supporting evidence is limited at this time, the clinical significance of this alteration remains unclear.

NM_001040142.2(SCN2A):c.3521A>G (p.Asp1174Gly)

Gene: SCN2A (sodium voltage-gated channel alpha subunit 2; plus strand). Cytogenetic location: 2q24.3.
Variant type: single nucleotide variant.
Coding change: c.3521A>G on transcript NM_001040142.2 (MANE Select); coding-DNA position 3521, A replaced by G.
Protein change: p.Asp1174Gly; replaces aspartic acid 1174 with glycine.
Molecular consequence: missense variant.
Genome position (GRCh38, 1-based): chr2:165,367,217, A>G. VCF-style: chr2-165367217-A-G. GRCh37 (hg19) VCF-style: chr2-166223727-A-G.
Other names: c.3521A>G, p.Asp1174Gly (NM_001040143.2, NM_001371246.1, NM_001371247.1 and 1 more transcripts); short protein forms D1174G.
Identifiers: ClinVar variation 1732276 (VCV001732276.3), dbSNP rs1015832035, ClinGen allele CA59732027.
Genomic context (GRCh38, chr2:165,367,217, plus strand): 5'-CACAAATATACCTAATCAAAGAGTAATTTTTTGTCTTCATTTTTTTCCCACATATTTTAG[A>G]CTGTGTACGGAAGTTCAAGTGTTGTCAGATAAGCATAGAAGAAGGCAAAGGGAAACTCTG-3'
Protein context (NP_001035232.1, residues 1164-1184): SLEPEACFTE[Asp1174Gly]CVRKFKCCQI